The following is an entry in ClinVar:

ClinVar aggregate classification (germline): Uncertain significance. Review status: criteria provided, multiple submitters, no conflicts (2 of 4 stars). 3 submissions from 3 submitters: Uncertain significance (2). 1 of the submissions does not count toward it. Last evaluated 2025-12-15.

Conditions:
Hereditary cancer-predisposing syndrome. Also called: Neoplastic Syndromes, Hereditary; Hereditary Cancer Syndrome; Tumor predisposition; Hereditary neoplastic syndrome. Identifiers: Orphanet 140162, MedGen C0027672, MeSH D009386, MONDO:0015356.
Bloom syndrome (BLM). Also called: Bloom-Torre-Machacek syndrome. Identifiers: Orphanet 125, MedGen C0005859, MONDO:0008876, OMIM 210900.

Allele frequency attached by ClinVar (database versions not stated): gnomAD exomes below 0.00001; ExAC 0.00001; gnomAD 0.00001; TOPMed 0.00002; ESP Exome Variant Server 0.00008.
gnomAD v4.1: 2 of 1,612,880 alleles (0.00012%); highest among the groups gnomAD compares: African/African-American, 0.0027%; no homozygotes.

Submissions (3):

Labcorp Genetics (formerly Invitae), Labcorp
Classification: Uncertain significance for Bloom syndrome. Last evaluated: 2025-12-15. Review status: criteria provided, single submitter. Criteria: Invitae Variant Classification Sherloc (09022015). Collection method: clinical testing. Allele origin: germline.
Comment: This sequence change replaces isoleucine, which is neutral and non-polar, with threonine, which is neutral and polar, at codon 794 of the BLM protein (p.Ile794Thr). This variant is present in population databases (rs373819952, gnomAD 0.004%). This variant has not been reported in the literature in individuals affected with BLM-related conditions. ClinVar contains an entry for this variant (Variation ID: 1038510). Invitae Evidence Modeling of protein sequence and biophysical properties (such as structural, functional, and spatial information, amino acid conservation, physicochemical variation, residue mobility, and thermodynamic stability) indicates that this missense variant is expected to disrupt BLM protein function with a positive predictive value of 80%. In summary, the available evidence is currently insufficient to determine the role of this variant in disease. Therefore, it has been classified as a Variant of Uncertain Significance.

Ambry Genetics
Classification: Uncertain significance for Hereditary cancer-predisposing syndrome. Last evaluated: 2025-07-31. Review status: criteria provided, single submitter. Criteria: Ambry Variant Classification Scheme 2023. Collection method: clinical testing. Allele origin: germline.
Comment: The p.I794T variant (also known as c.2381T>C), located in coding exon 10 of the BLM gene, results from a T to C substitution at nucleotide position 2381. The isoleucine at codon 794 is replaced by threonine, an amino acid with similar properties. This amino acid position is highly conserved in available vertebrate species. In addition, this alteration is predicted to be deleterious by in silico analysis. Since supporting evidence is limited at this time, the clinical significance of this alteration remains unclear.

Natera, Inc.
Classification: Uncertain significance for Bloom syndrome. Last evaluated: 2019-05-28. Review status: no assertion criteria provided. Collection method: clinical testing. Allele origin: germline. Not counted in ClinVar's aggregate classification.

NM_000057.4(BLM):c.2381T>C (p.Ile794Thr)

Gene: BLM (BLM RecQ like helicase; plus strand). Cytogenetic location: 15q26.1.
Variant type: single nucleotide variant.
Coding change: c.2381T>C on transcript NM_000057.4 (MANE Select); coding-DNA position 2381, T replaced by C.
Protein change: p.Ile794Thr; replaces isoleucine 794 with threonine.
Molecular consequence: missense variant.
Genome position (GRCh38, 1-based): chr15:90,769,206, T>C. VCF-style: chr15-90769206-T-C. GRCh37 (hg19) VCF-style: chr15-91312436-T-C.
Other names: c.2381T>C (NM_000057.2); c.2381T>C, p.Ile794Thr (NM_001287246.2, NM_001287247.2); c.1256T>C, p.Ile419Thr (NM_001287248.2); short protein forms I419T, I794T.
Identifiers: ClinVar variation 1038510 (VCV001038510.12), dbSNP rs373819952, ClinGen allele CA7738742.